The following is an entry in ClinVar:

ClinVar aggregate classification (germline): Uncertain significance (1 of 4 stars; one submission).

Conditions:
Hereditary cancer-predisposing syndrome. Also called: Tumor predisposition; Neoplastic Syndromes, Hereditary; Hereditary Cancer Syndrome; Hereditary neoplastic syndrome. Identifiers: Orphanet 140162, MedGen C0027672, MeSH D009386, MONDO:0015356.

Submission:

Ambry Genetics
Classification: Uncertain significance for Hereditary cancer-predisposing syndrome. Last evaluated: 2021-10-18. Review status: criteria provided, single submitter. Criteria: Ambry Variant Classification Scheme 2023. Collection method: clinical testing. Allele origin: germline.
Comment: The p.T1074A variant (also known as c.3220A>G), located in coding exon 19 of the DICER1 gene, results from an A to G substitution at nucleotide position 3220. The threonine at codon 1074 is replaced by alanine, an amino acid with similar properties. This amino acid position is highly conserved in available vertebrate species. In addition, the in silico prediction for this alteration is inconclusive. Since supporting evidence is limited at this time, the clinical significance of this alteration remains unclear.

NM_177438.3(DICER1):c.3220A>G (p.Thr1074Ala)

Gene: DICER1 (dicer 1, ribonuclease III; minus strand). Cytogenetic location: 14q32.13.
Variant type: single nucleotide variant.
Coding change: c.3220A>G on transcript NM_177438.3 (MANE Select); coding-DNA position 3220, A replaced by G.
Protein change: p.Thr1074Ala; replaces threonine 1074 with alanine.
Molecular consequence: missense variant. On other transcripts: non-coding transcript variant (6).
Genome position (GRCh38, 1-based): chr14:95,105,120, T>C on the plus strand (A>G on the coding strand, the complement: DICER1 is on the minus strand). VCF-style: chr14-95105120-T-C. GRCh37 (hg19) VCF-style: chr14-95571457-T-C.
Other names: c.3220A>G, p.Thr1074Ala (NM_001195573.1, NM_001271282.3, NM_001291628.2 and 13 more transcripts); c.2938A>G, p.Thr980Ala (NM_001395686.1); c.2815A>G, p.Thr939Ala (NM_001395687.1, NM_001395688.1, NM_001395689.1 and 2 more transcripts); c.2653A>G, p.Thr885Ala (NM_001395691.1); c.1537A>G, p.Thr513Ala (NM_001395697.1); short protein forms T1074A, T885A, T939A, T980A, T513A.
Identifiers: ClinVar variation 1729075 (VCV001729075.2), dbSNP rs2139986265, ClinGen allele CA390876465.